The following is an entry in ClinVar:

ClinVar aggregate classification (germline): Benign/Likely benign. Review status: criteria provided, multiple submitters, no conflicts (2 of 4 stars). 4 submissions from 4 submitters: Benign (2); Likely benign (2). Last evaluated 2026-03-01.

Allele frequency attached by ClinVar (database versions not stated): ExAC 0.00054; 1000 Genomes Project 30x 0.00172; gnomAD 0.00175 and 0.00189; TOPMed 0.00196; 1000 Genomes Project 0.00200; ESP Exome Variant Server 0.00215.
gnomAD v4.1: 534 of 1,612,472 alleles (0.033%); highest among the groups gnomAD compares: African/African-American, 0.66%; 1 homozygote.

Submissions (6):

CeGaT Center for Human Genetics Tuebingen
Classification: Likely benign. Last evaluated: 2026-03-01. Review status: criteria provided, single submitter. Criteria: CeGaT Center For Human Genetics Tuebingen Variant Classification Criteria Version 2. Collection method: clinical testing. Allele origin: germline. Affected: yes. Observed: 1 variant allele.
Comment: FN1: PP3, BS1

Labcorp Genetics (formerly Invitae), Labcorp
Classification: Benign. Last evaluated: 2026-01-24. Review status: criteria provided, single submitter. Criteria: Invitae Variant Classification Sherloc (09022015). Collection method: clinical testing. Allele origin: germline.

Blueprint Genetics
Classification: Likely benign. Last evaluated: 2024-07-06. Review status: criteria provided, single submitter. Criteria: ACMG Guidelines, 2015. Collection method: clinical testing. Allele origin: germline.

GeneDx
Classification: Benign. Last evaluated: 2020-05-04. Review status: criteria provided, single submitter. Criteria: GeneDx Variant Classification Process June 2021. Collection method: clinical testing. Allele origin: germline. Affected: yes.

Dr. Peter K. Rogan Lab, Western University
No classification provided (evidence only). Condition: Uterine corpus endometrial carcinoma. Review status: no classification provided. Collection method: in vitro. Allele origin: not applicable. Functional consequence: retained intron. Not counted in ClinVar's aggregate classification.

Dr. Peter K. Rogan Lab, Western University
No classification provided (evidence only). Condition: Uterine carcinosarcoma. Review status: no classification provided. Collection method: in vitro. Allele origin: not applicable. Functional consequence: retained intron. Not counted in ClinVar's aggregate classification.

NM_212482.4(FN1):c.3349-20C>G

Gene: FN1 (fibronectin 1; minus strand). Cytogenetic location: 2q35.
Variant type: single nucleotide variant.
Coding change: c.3349-20C>G on transcript NM_212482.4 (MANE Select); 20 bases into the intron before coding-DNA position 3349, C replaced by G.
Molecular consequence: intron variant.
Genome position (GRCh38, 1-based): chr2:215,397,868, G>C on the plus strand (C>G on the coding strand, the complement: FN1 is on the minus strand). VCF-style: chr2-215397868-G-C. GRCh37 (hg19) VCF-style: chr2-216262591-G-C.
Other names: c.3349-20C>G (NM_212474.3, NM_001306132.2, NM_001365523.2 and 13 more transcripts).
Identifiers: ClinVar variation 1261365 (VCV001261365.16), dbSNP rs188897740, ClinGen allele CA2094726.
Genomic context (GRCh38, chr2:215,397,868, plus strand): 5'-TCTCGTGGTGCCTCTCCTCCCTGGCTTGGTCGTACACCCAGCTAGAGGAAGGAATGCAAA[G>C]TAAACACCAAGGACAAATATTTCCAGAGGACTGTTACTGCTGTGAGGCTATGATTATGCT-3'